The following is an entry in ClinVar:

NM_000709.4(BCKDHA):c.623C>T (p.Pro208Leu)

Gene: BCKDHA (branched chain keto acid dehydrogenase E1 subunit alpha; plus strand). Cytogenetic location: 19q13.2.
Variant type: single nucleotide variant.
Coding change: c.623C>T on transcript NM_000709.4 (MANE Select); coding-DNA position 623, C replaced by T.
Protein change: p.Pro208Leu; replaces proline 208 with leucine.
Molecular consequence: missense variant.
Genome position (GRCh38, 1-based): chr19:41,419,273, C>T. VCF-style: chr19-41419273-C-T. GRCh37 (hg19) VCF-style: chr19-41925178-C-T.
Other names: c.623C>T, p.Pro208Leu (NM_001164783.2); short protein forms P208L.
Identifiers: ClinVar variation 1716254 (VCV001716254.5), dbSNP rs2513457579, ClinGen allele CA406011143.
Genomic context (GRCh38, chr19:41,419,273, plus strand): 5'-GGCGCCAGATGCCTGTCCACTACGGCTGCAAGGAACGCCACTTCGTCACTATCTCCTCTC[C>T]ACTGGCCACGCAGATCCCTCAGGGTGAGGATGCATGCCCTGTACCTTGCACATGTGCAGA-3'
Protein context (NP_000700.1, residues 198-218): KERHFVTISS[Pro208Leu]LATQIPQAVG

ClinVar aggregate classification (germline): Uncertain significance (1 of 4 stars; one submission).

Conditions:
Maple syrup urine disease (MSUD). Identifiers: Orphanet 511, MedGen C0024776, MeSH D008375, MONDO:0009563. Disease mechanism: loss of function.

Submission:

Labcorp Genetics (formerly Invitae), Labcorp
Classification: Uncertain significance for Maple syrup urine disease. Last evaluated: 2022-09-27. Review status: criteria provided, single submitter. Criteria: Invitae Variant Classification Sherloc (09022015). Collection method: clinical testing. Allele origin: germline.
Comment: In summary, the available evidence is currently insufficient to determine the role of this variant in disease. Therefore, it has been classified as a Variant of Uncertain Significance. Advanced modeling of protein sequence and biophysical properties (such as structural, functional, and spatial information, amino acid conservation, physicochemical variation, residue mobility, and thermodynamic stability) performed at Invitae indicates that this missense variant is expected to disrupt BCKDHA protein function. This variant has not been reported in the literature in individuals affected with BCKDHA-related conditions. This variant is not present in population databases (gnomAD no frequency). This sequence change replaces proline, which is neutral and non-polar, with leucine, which is neutral and non-polar, at codon 208 of the BCKDHA protein (p.Pro208Leu).